The following is an entry in ClinVar:

ClinVar aggregate classification (germline): Uncertain significance (1 of 4 stars; one submission).

Submission:

GeneDx
Classification: Uncertain significance. Last evaluated: 2023-04-07. Review status: criteria provided, single submitter. Criteria: GeneDx Variant Classification Process June 2021. Collection method: clinical testing. Allele origin: germline. Affected: yes.
Comment: Not observed at significant frequency in large population cohorts (gnomAD); In silico analysis supports that this missense variant does not alter protein structure/function; Has not been previously published as pathogenic or benign to our knowledge

NM_015057.5(MYCBP2):c.7448G>A (p.Ser2483Asn)

Gene: MYCBP2 (MYC binding protein 2; minus strand). Cytogenetic location: 13q22.3.
Variant type: single nucleotide variant.
Coding change: c.7448G>A on transcript NM_015057.5 (MANE Select); coding-DNA position 7448, G replaced by A.
Protein change: p.Ser2483Asn; replaces serine 2483 with asparagine.
Molecular consequence: missense variant.
Genome position (GRCh38, 1-based): chr13:77,140,117, C>T on the plus strand (G>A on the coding strand, the complement: MYCBP2 is on the minus strand). VCF-style: chr13-77140117-C-T. GRCh37 (hg19) VCF-style: chr13-77714252-C-T.
Other names: short protein forms S2483N.
Identifiers: ClinVar variation 2662523 (VCV002662523.1), dbSNP rs2548772692, ClinGen allele CA388405658.